The following is an entry in ClinVar:

ClinVar aggregate classification (germline): Uncertain significance (1 of 4 stars; one submission).

Submission:

Labcorp Genetics (formerly Invitae), Labcorp
Classification: Uncertain significance. Last evaluated: 2022-06-11. Review status: criteria provided, single submitter. Criteria: Invitae Variant Classification Sherloc (09022015). Collection method: clinical testing. Allele origin: germline.
Comment: Algorithms developed to predict the effect of missense changes on protein structure and function output the following: SIFT: "Deleterious"; PolyPhen-2: "Possibly Damaging"; Align-GVGD: "Class C0". The proline amino acid residue is found in multiple mammalian species, which suggests that this missense change does not adversely affect protein function. This variant has not been reported in the literature in individuals affected with CCDC8-related conditions. This variant is not present in population databases (gnomAD no frequency). This sequence change replaces alanine, which is neutral and non-polar, with proline, which is neutral and non-polar, at codon 448 of the CCDC8 protein (p.Ala448Pro). In summary, the available evidence is currently insufficient to determine the role of this variant in disease. Therefore, it has been classified as a Variant of Uncertain Significance.

NM_032040.5(CCDC8):c.1342G>C (p.Ala448Pro)

Gene: CCDC8 (coiled-coil domain containing 8 subunit of 3M complex; minus strand). Cytogenetic location: 19q13.32.
Variant type: single nucleotide variant.
Coding change: c.1342G>C on transcript NM_032040.5 (MANE Select); coding-DNA position 1342, G replaced by C.
Protein change: p.Ala448Pro; replaces alanine 448 with proline.
Molecular consequence: missense variant.
Genome position (GRCh38, 1-based): chr19:46,411,469, C>G on the plus strand (G>C on the coding strand, the complement: CCDC8 is on the minus strand). VCF-style: chr19-46411469-C-G. GRCh37 (hg19) VCF-style: chr19-46914726-C-G.
Other names: short protein forms A448P.
Identifiers: ClinVar variation 1920152 (VCV001920152.5), dbSNP rs2513600783, ClinGen allele CA406459149.